The following is an entry in ClinVar:

ClinVar aggregate classification (germline): Uncertain significance. Review status: criteria provided, multiple submitters, no conflicts (2 of 4 stars). 2 submissions from 2 submitters: Uncertain significance (2). Last evaluated 2025-11-23.

Allele frequency attached by ClinVar (database versions not stated): gnomAD 0.00016; TOPMed 0.00021; ESP Exome Variant Server 0.00031; ExAC 0.00008; 1000 Genomes Project 30x 0.00016; 1000 Genomes Project 0.00020.
gnomAD v4.1: 52 of 1,613,300 alleles (0.0032%); highest among the groups gnomAD compares: African/African-American, 0.067%; no homozygotes.

Submissions (2):

Labcorp Genetics (formerly Invitae), Labcorp
Classification: Uncertain significance. Last evaluated: 2025-11-23. Review status: criteria provided, single submitter. Criteria: Invitae Variant Classification Sherloc (09022015). Collection method: clinical testing. Allele origin: germline.
Comment: This sequence change replaces leucine, which is neutral and non-polar, with proline, which is neutral and non-polar, at codon 233 of the SLC25A32 protein (p.Leu233Pro). This variant is present in population databases (rs145785157, gnomAD 0.06%), and has an allele count higher than expected for a pathogenic variant. This variant has not been reported in the literature in individuals affected with SLC25A32-related conditions. ClinVar contains an entry for this variant (Variation ID: 2470033). Invitae Evidence Modeling of protein sequence and biophysical properties (such as structural, functional, and spatial information, amino acid conservation, physicochemical variation, residue mobility, and thermodynamic stability) indicates that this missense variant is expected to disrupt SLC25A32 protein function with a positive predictive value of 80%. In summary, the available evidence is currently insufficient to determine the role of this variant in disease. Therefore, it has been classified as a Variant of Uncertain Significance.

Ambry Genetics
Classification: Uncertain significance. Last evaluated: 2025-06-10. Review status: criteria provided, single submitter. Criteria: Ambry Variant Classification Scheme 2023. Collection method: clinical testing. Allele origin: germline.

NM_030780.5(SLC25A32):c.698T>C (p.Leu233Pro)

Gene: SLC25A32 (solute carrier family 25 member 32; minus strand). Cytogenetic location: 8q22.3.
Variant type: single nucleotide variant.
Coding change: c.698T>C on transcript NM_030780.5 (MANE Select); coding-DNA position 698, T replaced by C.
Protein change: p.Leu233Pro; replaces leucine 233 with proline.
Molecular consequence: missense variant. On other transcripts: non-coding transcript variant (2).
Genome position (GRCh38, 1-based): chr8:103,401,630, A>G on the plus strand (T>C on the coding strand, the complement: SLC25A32 is on the minus strand). VCF-style: chr8-103401630-A-G. GRCh37 (hg19) VCF-style: chr8-104413858-A-G.
Other names: short protein forms L233P.
Identifiers: ClinVar variation 2470033 (VCV002470033.6), dbSNP rs145785157, ClinGen allele CA4835389.